The following is an entry in ClinVar:

ClinVar aggregate classification (germline): Uncertain significance (1 of 4 stars; one submission).

Conditions:
Spermatogenic failure 45. Identifiers: MedGen C5436791, MONDO:0033671, OMIM 619094.

gnomAD v4.1: 20 of 1,614,060 alleles (0.0012%); highest among the groups gnomAD compares: East Asian, 0.033%; no homozygotes.

Submission:

Juno Genomics, Hangzhou Juno Genomics, Inc
Classification: Uncertain significance for Spermatogenic failure 45. Review status: criteria provided, single submitter. Criteria: ACMG Guidelines, 2015. Collection method: clinical testing. Allele origin: germline.
Comment: Absent from controls (or at extremely low frequency if recessive) in Genome Aggregation Database.;Missense variant in a gene that has a low rate of benign missense variation.

NM_020877.5(DNAH2):c.12608T>C (p.Ile4203Thr)

Gene: DNAH2 (dynein axonemal heavy chain 2; plus strand). Cytogenetic location: 17p13.1.
Variant type: single nucleotide variant.
Coding change: c.12608T>C on transcript NM_020877.5 (MANE Select); coding-DNA position 12608, T replaced by C.
Protein change: p.Ile4203Thr; replaces isoleucine 4203 with threonine.
Molecular consequence: missense variant.
Genome position (GRCh38, 1-based): chr17:7,831,538, T>C. VCF-style: chr17-7831538-T-C. GRCh37 (hg19) VCF-style: chr17-7734856-T-C.
Other names: short protein forms I4203T.
Identifiers: ClinVar variation 5005834 (VCV005005834.2).